The following is an entry in ClinVar:

ClinVar aggregate classification (germline): Uncertain significance (1 of 4 stars; one submission).

Conditions:
KBG syndrome (KBGS). Also called: ANKRD11-Related KBG Syndrome. Identifiers: Orphanet 2332, MedGen C0220687, MONDO:0007846, OMIM 148050.

gnomAD v4.1: 32 of 1,614,222 alleles (0.002%); highest among the groups gnomAD compares: African/African-American, 0.008%; no homozygotes.

Submission:

Labcorp Genetics (formerly Invitae), Labcorp
Classification: Uncertain significance for KBG syndrome. Last evaluated: 2024-02-24. Review status: criteria provided, single submitter. Criteria: Invitae Variant Classification Sherloc (09022015). Collection method: clinical testing. Allele origin: germline.
Comment: This sequence change replaces proline, which is neutral and non-polar, with serine, which is neutral and polar, at codon 1782 of the ANKRD11 protein (p.Pro1782Ser). This variant is present in population databases (no rsID available, gnomAD 0.006%). This variant has not been reported in the literature in individuals affected with ANKRD11-related conditions. Advanced modeling of protein sequence and biophysical properties (such as structural, functional, and spatial information, amino acid conservation, physicochemical variation, residue mobility, and thermodynamic stability) performed at Invitae indicates that this missense variant is not expected to disrupt ANKRD11 protein function with a negative predictive value of 95%. In summary, the available evidence is currently insufficient to determine the role of this variant in disease. Therefore, it has been classified as a Variant of Uncertain Significance.

NM_013275.6(ANKRD11):c.5344C>T (p.Pro1782Ser)

Gene: ANKRD11 (ankyrin repeat domain 11; minus strand). Cytogenetic location: 16q24.3.
Variant type: single nucleotide variant.
Coding change: c.5344C>T on transcript NM_013275.6 (MANE Select); coding-DNA position 5344, C replaced by T.
Protein change: p.Pro1782Ser; replaces proline 1782 with serine.
Molecular consequence: missense variant.
Genome position (GRCh38, 1-based): chr16:89,281,198, G>A on the plus strand (C>T on the coding strand, the complement: ANKRD11 is on the minus strand). VCF-style: chr16-89281198-G-A. GRCh37 (hg19) VCF-style: chr16-89347606-G-A.
Other names: c.5344C>T, p.Pro1782Ser (NM_001256182.2, NM_001256183.2); short protein forms P1782S.
Identifiers: ClinVar variation 3635782 (VCV003635782.2).
Genomic context (GRCh38, chr16:89,281,198, plus strand): 5'-CTTCCTCGGGGGTCCTCCTAATGTCGACAGAGACCGAGCGGTAAAGGTTTGTGGAGAGAG[G>A]CCTGGCAGGAGCCTGGCTGGCGTTTTCCGAAAGCCCACTTGAAGCCACGGAGAACCTGTC-3'
Protein context (NP_037407.4, residues 1772-1792): SENASQAPAR[Pro1782Ser]LSTNLYRSVS